The following is an entry in ClinVar:

NM_001378454.1(ALMS1):c.7001dup (p.Asp2335fs)

Gene: ALMS1 (ALMS1 centrosome and basal body associated protein; plus strand). Cytogenetic location: 2p13.1.
Variant type: Duplication.
Coding change: c.7001dup on transcript NM_001378454.1 (MANE Select); coding-DNA position 7001, one base duplicated (A; older notation c.7001dupA).
Protein change: p.Asp2335fs; shifts the reading frame from aspartic acid 2335.
Molecular consequence: frameshift variant.
Genome position (GRCh38, 1-based): chr2:73,453,528, A duplicated; the last of 2 consecutive A bases (chr2:73,453,527-73,453,528); duplicating either gives the same sequence. VCF-style (leftmost placement, unchanged base first): chr2-73453526-G-GA. GRCh37 (hg19) VCF-style: chr2-73680653-G-GA.
Other names: c.7004dup, p.Asp2336fs (NM_015120.4); short protein forms D2336fs, D2335fs.
Identifiers: ClinVar variation 2834502 (VCV002834502.3), dbSNP rs2466110974, ClinGen allele CA2739271085.

ClinVar aggregate classification (germline): Pathogenic (1 of 4 stars; one submission).

Conditions:
Alstrom syndrome (ALMS). Identifiers: Orphanet 64, MedGen C0268425, MONDO:0008763, OMIM 203800.

Submission:

Labcorp Genetics (formerly Invitae), Labcorp
Classification: Pathogenic for Alstrom syndrome. Last evaluated: 2023-02-04. Review status: criteria provided, single submitter. Criteria: Invitae Variant Classification Sherloc (09022015). Collection method: clinical testing. Allele origin: germline.
Comment: This sequence change creates a premature translational stop signal (p.Asp2336Glyfs*15) in the ALMS1 gene. It is expected to result in an absent or disrupted protein product. Loss-of-function variants in ALMS1 are known to be pathogenic (PMID: 17594715). This variant is not present in population databases (gnomAD no frequency). This variant has not been reported in the literature in individuals affected with ALMS1-related conditions. For these reasons, this variant has been classified as Pathogenic.

Literature cited by the submitters: PubMed 17594715.